The following is an entry in ClinVar:

ClinVar aggregate classification (germline): Uncertain significance (1 of 4 stars; one submission).

Allele frequency attached by ClinVar (database versions not stated): gnomAD exomes below 0.00001.
gnomAD v4.1: 4 of 1,613,722 alleles (0.00025%); highest among the groups gnomAD compares: Non-Finnish European, 0.00034%; no homozygotes.

Submission:

Ambry Genetics
Classification: Uncertain significance. Last evaluated: 2023-01-12. Review status: criteria provided, single submitter. Criteria: Ambry Variant Classification Scheme 2023. Collection method: clinical testing. Allele origin: germline.
Comment: The p.N736Y variant (also known as c.2206A>T), located in coding exon 13 of the NPAT gene, results from an A to T substitution at nucleotide position 2206. The asparagine at codon 736 is replaced by tyrosine, an amino acid with dissimilar properties. This amino acid position is conserved. In addition, this alteration is predicted to be tolerated by in silico analysis. Since supporting evidence is limited at this time, the clinical significance of this alteration remains unclear.

NM_002519.3(NPAT):c.2206A>T (p.Asn736Tyr)

Gene: NPAT (nuclear protein, coactivator of histone transcription; minus strand). Cytogenetic location: 11q22.3.
Variant type: single nucleotide variant.
Coding change: c.2206A>T on transcript NM_002519.3 (MANE Select); coding-DNA position 2206, A replaced by T.
Protein change: p.Asn736Tyr; replaces asparagine 736 with tyrosine.
Molecular consequence: missense variant.
Genome position (GRCh38, 1-based): chr11:108,172,778, T>A on the plus strand (A>T on the coding strand, the complement: NPAT is on the minus strand). VCF-style: chr11-108172778-T-A. GRCh37 (hg19) VCF-style: chr11-108043505-T-A.
Other names: c.2206A>T, p.Asn736Tyr (NM_001321307.1); short protein forms N736Y.
Identifiers: ClinVar variation 2453773 (VCV002453773.2), dbSNP rs2496718223, ClinGen allele CA382513460.